The following is an entry in ClinVar:

NM_000702.4(ATP1A2):c.1822A>C (p.Ile608Leu)

Gene: ATP1A2 (ATPase Na+/K+ transporting subunit alpha 2; plus strand). Cytogenetic location: 1q23.2.
Variant type: single nucleotide variant.
Coding change: c.1822A>C on transcript NM_000702.4 (MANE Select); coding-DNA position 1822, A replaced by C.
Protein change: p.Ile608Leu; replaces isoleucine 608 with leucine.
Molecular consequence: missense variant.
Genome position (GRCh38, 1-based): chr1:160,130,592, A>C. VCF-style: chr1-160130592-A-C. GRCh37 (hg19) VCF-style: chr1-160100382-A-C.
Other names: short protein forms I608L.
Identifiers: ClinVar variation 5005031 (VCV005005031.2).

ClinVar aggregate classification (germline): Uncertain significance (1 of 4 stars; one submission).

Conditions:
Fetal akinesia, respiratory insufficiency, microcephaly, polymicrogyria, and dysmorphic facies. Identifiers: MedGen C5562015, MONDO:0859204, OMIM 619602.
Developmental and epileptic encephalopathy 98. Identifiers: MedGen C5562017, MONDO:0030472, OMIM 619605.
Alternating hemiplegia of childhood 1 (AHC1). Identifiers: Orphanet 2131, MedGen C3549447, MONDO:0007087, OMIM 104290.
Migraine, familial hemiplegic, 2. Identifiers: Orphanet 569, MedGen C1865322, MONDO:0011232, OMIM 602481.

Submission:

Juno Genomics, Hangzhou Juno Genomics, Inc
Classification: Uncertain significance for Alternating hemiplegia of childhood 1; Developmental and epileptic encephalopathy 98; Fetal akinesia, respiratory insufficiency, microcephaly, polymicrogyria, and dysmorphic facies; Migraine, familial hemiplegic, 2. Review status: criteria provided, single submitter. Criteria: ACMG Guidelines, 2015. Collection method: clinical testing. Allele origin: germline.
Comment: Absent from controls (or at extremely low frequency if recessive) in Genome Aggregation Database.;Missense variant in a gene that has a low rate of benign missense variation.;Multiple lines of computational evidence support a deleterious effect on the gene or gene product.